The following is an entry in ClinVar:

NM_004304.5(ALK):c.953-5T>C

Gene: ALK (ALK receptor tyrosine kinase; minus strand). Cytogenetic location: 2p23.2.
Variant type: single nucleotide variant.
Coding change: c.953-5T>C on transcript NM_004304.5 (MANE Select); 5 bases into the intron before coding-DNA position 953, T replaced by C.
Molecular consequence: intron variant.
Genome position (GRCh38, 1-based): chr2:29,532,121, A>G on the plus strand (T>C on the coding strand, the complement: ALK is on the minus strand). VCF-style: chr2-29532121-A-G. GRCh37 (hg19) VCF-style: chr2-29754987-A-G.
Other names: c.953-5T>C (NM_004304.4).
Identifiers: ClinVar variation 1114137 (VCV001114137.10), dbSNP rs746073787, ClinGen allele CA1594791.

ClinVar aggregate classification (germline): Conflicting classifications of pathogenicity. Review status: criteria provided, conflicting classifications (1 of 4 stars). 2 submissions from 2 submitters: Uncertain significance (1); Likely benign (1). Last evaluated 2026-04-09.

Conditions:
Hereditary cancer-predisposing syndrome. Also called: Hereditary neoplastic syndrome; Neoplastic Syndromes, Hereditary; Tumor predisposition; Hereditary Cancer Syndrome. Identifiers: Orphanet 140162, MedGen C0027672, MeSH D009386, MONDO:0015356.
Neuroblastoma, susceptibility to, 3. Also called: ALK-Related Neuroblastic Tumor Susceptibility. Identifiers: Orphanet 635, MedGen C2751681, MONDO:0013083, OMIM 613014.

Allele frequency attached by ClinVar (database versions not stated): gnomAD 0.00001; gnomAD exomes below 0.00001; TOPMed below 0.00001; ExAC 0.00001.
gnomAD v4.1: 2 of 1,613,784 alleles (0.00012%); highest among the groups gnomAD compares: Non-Finnish European, 0.000085%; no homozygotes.

Submissions (2):

Ambry Genetics
Classification: Uncertain significance for Hereditary cancer-predisposing syndrome. Last evaluated: 2026-04-09. Review status: criteria provided, single submitter. Criteria: Ambry Variant Classification Scheme 2023. Collection method: clinical testing. Allele origin: germline.
Comment: The c.953-5T>C intronic variant results from a T to C substitution 5 nucleotides upstream from coding exon 4 in the ALK gene. This nucleotide position is not well conserved in available vertebrate species. In silico splice site analysis predicts that this alteration will not have any significant effect on splicing. However, loss of function has not been established as a mechanism of disease. Based on the available evidence, the clinical significance of this variant remains unclear.

Labcorp Genetics (formerly Invitae), Labcorp
Classification: Likely benign for Neuroblastoma, susceptibility to, 3. Last evaluated: 2024-11-02. Review status: criteria provided, single submitter. Criteria: Invitae Variant Classification Sherloc (09022015). Collection method: clinical testing. Allele origin: germline.